The following is an entry in ClinVar:

NR_003051.3(RMRP):n.-28_-17dup

Gene: RMRP (RNA component of mitochondrial RNA processing endoribonuclease; minus strand). Cytogenetic location: 9p13.3.
Variant type: Duplication.
Genome position: GRCh38 VCF-style: chr9-35658034-C-CAGAGTAGTATTT. GRCh37 (hg19) VCF-style: chr9-35658031-C-CAGAGTAGTATTT.
Identifiers: ClinVar variation 4817179 (VCV004817179.1).

ClinVar aggregate classification (germline): Likely pathogenic (1 of 4 stars; one submission).

Conditions:
Metaphyseal chondrodysplasia, McKusick type (CHH). Also called: Cartilage-hair hypoplasia; Cartilage-Hair Hypoplasia (CHH). Identifiers: Orphanet 175, MedGen C0220748, MONDO:0009595, OMIM 250250.

Submission:

Natera, Inc.
Classification: Likely pathogenic for Cartilage-hair hypoplasia. Last evaluated: 2025-10-09. Review status: criteria provided, single submitter. Criteria: Natera Variant Classification Schema (03/2026). Collection method: clinical testing. Allele origin: germline.
Comment: The n.-28_-17dup variant in RMRP is a duplication affecting the RMRP promoter region between the TATA box and the transcription initiation site. Other duplications and insertions just upstream of the transcription initiation site have been reported in individuals affected with cartilage-hair hypoplasia (PMID: 11207361, 17937437). This variant is rare in the general population with a frequency below the threshold expected for the associated phenotype(s). Given the available evidence, this variant is classified as Likely pathogenic.

Literature cited by the submitters: PubMed 11207361; PubMed 17937437.